The following is an entry in ClinVar:

NM_000562.3(C8A):c.369T>A (p.Asp123Glu)

Gene: C8A (complement C8 alpha chain; plus strand). Cytogenetic location: 1p32.2.
Variant type: single nucleotide variant.
Coding change: c.369T>A on transcript NM_000562.3 (MANE Select); coding-DNA position 369, T replaced by A.
Protein change: p.Asp123Glu; replaces aspartic acid 123 with glutamic acid.
Molecular consequence: missense variant.
Genome position (GRCh38, 1-based): chr1:56,876,114, T>A. VCF-style: chr1-56876114-T-A. GRCh37 (hg19) VCF-style: chr1-57341787-T-A.
Other names: c.369T>A (NM_000562.2); short protein forms D123E.
Identifiers: ClinVar variation 1408840 (VCV001408840.4), dbSNP rs376825198, ClinGen allele CA875016.

ClinVar aggregate classification (germline): Uncertain significance. Review status: criteria provided, multiple submitters, no conflicts (2 of 4 stars). 2 submissions from 2 submitters: Uncertain significance (2). Last evaluated 2024-01-29.

Allele frequency attached by ClinVar (database versions not stated): gnomAD 0.00007; TOPMed 0.00009; ESP Exome Variant Server 0.00015.
gnomAD v4.1: 108 of 1,613,752 alleles (0.0067%); highest among the groups gnomAD compares: Non-Finnish European, 0.0085%; no homozygotes.

Submissions (2):

Ambry Genetics
Classification: Uncertain significance. Last evaluated: 2024-01-29. Review status: criteria provided, single submitter. Criteria: Ambry Variant Classification Scheme 2023. Collection method: clinical testing. Allele origin: germline.

Labcorp Genetics (formerly Invitae), Labcorp
Classification: Uncertain significance. Last evaluated: 2022-10-28. Review status: criteria provided, single submitter. Criteria: Invitae Variant Classification Sherloc (09022015). Collection method: clinical testing. Allele origin: germline.
Comment: This sequence change replaces aspartic acid, which is acidic and polar, with glutamic acid, which is acidic and polar, at codon 123 of the C8A protein (p.Asp123Glu). This variant is present in population databases (rs376825198, gnomAD 0.009%). This variant has not been reported in the literature in individuals affected with C8A-related conditions. ClinVar contains an entry for this variant (Variation ID: 1408840). Algorithms developed to predict the effect of missense changes on protein structure and function are either unavailable or do not agree on the potential impact of this missense change (SIFT: "Deleterious"; PolyPhen-2: "Probably Damaging"; Align-GVGD: "Class C0"). In summary, the available evidence is currently insufficient to determine the role of this variant in disease. Therefore, it has been classified as a Variant of Uncertain Significance.